The following is an entry in ClinVar:

NM_004082.5(DCTN1):c.3782G>A (p.Arg1261Gln)

Gene: DCTN1 (dynactin subunit 1; minus strand). Cytogenetic location: 2p13.1.
Variant type: single nucleotide variant.
Coding change: c.3782G>A on transcript NM_004082.5 (MANE Select); coding-DNA position 3782, G replaced by A.
Protein change: p.Arg1261Gln; replaces arginine 1261 with glutamine.
Molecular consequence: missense variant. On other transcripts: non-coding transcript variant (1).
Genome position (GRCh38, 1-based): chr2:74,361,554, C>T on the plus strand (G>A on the coding strand, the complement: DCTN1 is on the minus strand). VCF-style: chr2-74361554-C-T. GRCh37 (hg19) VCF-style: chr2-74588681-C-T.
Other names: c.3707G>A, p.Arg1236Gln (NM_001135040.3); c.3365G>A, p.Arg1122Gln (NM_001135041.3); c.3656G>A, p.Arg1219Gln (NM_001190836.2); c.3761G>A, p.Arg1254Gln (NM_001190837.2); c.3731G>A, p.Arg1244Gln (NM_001378991.1); c.3713G>A, p.Arg1238Gln (NM_001378992.1); c.3380G>A, p.Arg1127Gln (NM_023019.4); short protein forms R1127Q, R1219Q, R1261Q, R1122Q, R1236Q, R1254Q, R1238Q, R1244Q.
Identifiers: ClinVar variation 337067 (VCV000337067.17), dbSNP rs553822174, ClinGen allele CA1721349.

ClinVar aggregate classification (germline): Benign/Likely benign. Review status: criteria provided, multiple submitters, no conflicts (2 of 4 stars). 4 submissions from 3 submitters: Benign (2); Likely benign (1). 1 of the submissions does not count toward it. Last evaluated 2025-06-05.

Conditions:
Perry syndrome. Also called: PARKINSONISM WITH ALVEOLAR HYPOVENTILATION AND MENTAL DEPRESSION. Identifiers: Orphanet 178509, MedGen C1868594, MONDO:0008201, OMIM 168605.
DCTN1-related disorder. Also called: DCTN1-related condition.
Amyotrophic lateral sclerosis type 1 (ALS1). Also called: AMYOTROPHIC LATERAL SCLEROSIS 1, FAMILIAL. Identifiers: Orphanet 803, MedGen C1862939, MONDO:0007103, OMIM 105400.
Neuronopathy, distal hereditary motor, type 7B. Also called: HMN VIIB; LOWER MOTOR NEURON DISEASE, DYNACTIN TYPE; NEURONOPATHY, DISTAL HEREDITARY MOTOR, AUTOSOMAL DOMINANT 14; NEURONOPATHY, DISTAL HEREDITARY MOTOR, HARDING TYPE VIIB; NEUROPATHY, DISTAL HEREDITARY MOTOR, HARDING TYPE VIIB; NEUROPATHY, DISTAL HEREDITARY MOTOR, WITH VOCAL CORD PARALYSIS, HARDING TYPE VIIB. Identifiers: Orphanet 139589, MedGen C1843315, MONDO:0011879, OMIM 607641.

Allele frequency attached by ClinVar (database versions not stated): gnomAD 0.00004 and 0.00008; TOPMed 0.00005; gnomAD exomes 0.00008 and 0.00018; ExAC 0.00011; 1000 Genomes Project 30x 0.00016; 1000 Genomes Project 0.00020.
gnomAD v4.1: 274 of 1,614,092 alleles (0.017%); highest among the groups gnomAD compares: East Asian, 0.56%; 1 homozygote.

Submissions (4):

Labcorp Genetics (formerly Invitae), Labcorp
Classification: Likely benign for Amyotrophic lateral sclerosis type 1; Neuronopathy, distal hereditary motor, type 7B; Perry syndrome. Last evaluated: 2025-06-05. Review status: criteria provided, single submitter. Criteria: Invitae Variant Classification Sherloc (09022015). Collection method: clinical testing. Allele origin: germline.

Illumina Laboratory Services, Illumina
Classification: Benign for Perry syndrome. Last evaluated: 2018-01-12. Review status: criteria provided, single submitter. Criteria: ICSL Variant Classification Criteria 13 December 2019. Collection method: clinical testing. Allele origin: germline.
Comment: This variant was observed in the ICSL laboratory as part of a predisposition screen in an ostensibly healthy population. It had not been previously curated by ICSL or reported in the Human Gene Mutation Database (HGMD: prior to June 1st, 2018), and was therefore a candidate for classification through an automated scoring system. Utilizing variant allele frequency, disease prevalence and penetrance estimates, and inheritance mode, an automated score was calculated to assess if this variant is too frequent to cause the disease. Based on the score and internal cut-off values, a variant classified as benign is not then subjected to further curation. The score for this variant resulted in a classification of benign for this disease.

Illumina Laboratory Services, Illumina
Classification: Benign for Neuronopathy, distal hereditary motor, type 7B. Last evaluated: 2018-01-12. Review status: criteria provided, single submitter. Criteria: ICSL Variant Classification Criteria 13 December 2019. Collection method: clinical testing. Allele origin: germline.
Comment: the same text as in the submission from Illumina Laboratory Services, Illumina above.

PreventionGenetics, part of Exact Sciences
Classification: Likely benign for DCTN1-related condition. Last evaluated: 2024-02-28. Review status: no assertion criteria provided. Collection method: clinical testing. Allele origin: germline. Not counted in ClinVar's aggregate classification.
Comment: This variant is classified as likely benign based on ACMG/AMP sequence variant interpretation guidelines (Richards et al. 2015 PMID: 25741868, with internal and published modifications).